The following is an entry in ClinVar:

ClinVar aggregate classification (germline): Likely pathogenic (0 of 4 stars; one submission).

Conditions:
Neuronal ceroid lipofuscinosis 3 (CLN3). Identifiers: Orphanet 228346, MedGen C0751383, MONDO:0008767, OMIM 204200.

Submission:

Juha Muilu Group; Institute for Molecular Medicine Finland (FIMM)
Classification: Likely pathogenic for Juvenile neuronal ceroid lipofuscinosis. Review status: no assertion criteria provided. Collection method: not provided. Allele origin: unknown.
Comment: FinDis database variant: This variant was not found or characterized by our laboratory, data were collected from public sources: see reference
ClinVar note: Converted during submission from probable-pathogenic to Likely pathogenic.

NM_001042432.2(CLN3):c.963-1G>T

Gene: CLN3 (CLN3 lysosomal/endosomal transmembrane protein, battenin; minus strand). Cytogenetic location: 16p12.1.
Variant type: single nucleotide variant.
Coding change: c.963-1G>T on transcript NM_001042432.2 (MANE Select); the canonical splice acceptor site of the intron before coding-DNA position 963, G replaced by T.
Molecular consequence: splice acceptor variant.
Genome position (GRCh38, 1-based): chr16:28,482,199, C>A on the plus strand (G>T on the coding strand, the complement: CLN3 is on the minus strand). VCF-style: chr16-28482199-C-A. GRCh37 (hg19) VCF-style: chr16-28493520-C-A.
Other names: c.729-1G>T (NM_001286109.2); c.891-1G>T (NM_001286104.2); c.663-1G>T (NM_001286105.2); c.801-1G>T (NM_001286110.2); c.963-1G>T (NM_000086.2).
Identifiers: ClinVar variation 56294 (VCV000056294.2), dbSNP rs386833742, ClinGen allele CA263738.